The following is an entry in ClinVar:

ClinVar aggregate classification (germline): Uncertain significance (1 of 4 stars; one submission).

Conditions:
Dilated cardiomyopathy 1O (CMD1O). Also called: CARDIOMYOPATHY, DILATED, WITH VENTRICULAR TACHYCARDIA. Identifiers: Orphanet 154, MedGen C1837839, MONDO:0012062, OMIM 608569.

gnomAD v4.1: 1 of 1,613,976 alleles (0.000062%); highest among the groups gnomAD compares: African/African-American, 0.0013%; no homozygotes.

Submission:

Labcorp Genetics (formerly Invitae), Labcorp
Classification: Uncertain significance for Dilated cardiomyopathy 1O. Last evaluated: 2025-08-06. Review status: criteria provided, single submitter. Criteria: Invitae Variant Classification Sherloc (09022015). Collection method: clinical testing. Allele origin: germline.
Comment: This sequence change replaces proline, which is neutral and non-polar, with serine, which is neutral and polar, at codon 647 of the ABCC9 protein (p.Pro647Ser). This variant is present in population databases (rs767396331, gnomAD 0.007%). This variant has not been reported in the literature in individuals affected with ABCC9-related conditions. ClinVar contains an entry for this variant (Variation ID: 3726161). Invitae Evidence Modeling of protein sequence and biophysical properties (such as structural, functional, and spatial information, amino acid conservation, physicochemical variation, residue mobility, and thermodynamic stability) has been performed for this missense variant. However, the output from this modeling did not meet the statistical confidence thresholds required to predict the impact of this variant on ABCC9 protein function. In summary, the available evidence is currently insufficient to determine the role of this variant in disease. Therefore, it has been classified as a Variant of Uncertain Significance.

NM_020297.4(ABCC9):c.1939C>T (p.Pro647Ser)

Gene: ABCC9 (ATP binding cassette subfamily C member 9; minus strand). Cytogenetic location: 12p12.1.
Variant type: single nucleotide variant.
Coding change: c.1939C>T on transcript NM_020297.4 (MANE Select); coding-DNA position 1939, C replaced by T.
Protein change: p.Pro647Ser; replaces proline 647 with serine.
Molecular consequence: missense variant.
Genome position (GRCh38, 1-based): chr12:21,882,846, G>A on the plus strand (C>T on the coding strand, the complement: ABCC9 is on the minus strand). VCF-style: chr12-21882846-G-A. GRCh37 (hg19) VCF-style: chr12-22035780-G-A.
Other names: c.1939C>T, p.Pro647Ser (NM_001377273.1, NM_005691.4); c.1075C>T, p.Pro359Ser (NM_001377274.1); short protein forms P647S, P359S.
Identifiers: ClinVar variation 3726161 (VCV003726161.2).